The following is an entry in ClinVar:

ClinVar aggregate classification (germline): Likely benign. Review status: criteria provided, multiple submitters, no conflicts (2 of 4 stars). 2 submissions from 2 submitters: Likely benign (2). Last evaluated 2018-06-14.

Allele frequency attached by ClinVar (database versions not stated): gnomAD 0.00658 and 0.00698; TOPMed 0.00728; 1000 Genomes Project 0.00779; 1000 Genomes Project 30x 0.00843.
gnomAD v4.1: 1,567 of 994,826 alleles (0.16%); highest among the groups gnomAD compares: African/African-American, 2.2%; 15 homozygotes.

Submissions (2):

GeneDx
Classification: Likely benign. Last evaluated: 2018-06-14. Review status: criteria provided, single submitter. Criteria: GeneDx Variant Classification (06012015). Collection method: clinical testing. Allele origin: germline. Affected: yes.
Comment: This variant is considered likely benign or benign based on one or more of the following criteria: it is a conservative change, it occurs at a poorly conserved position in the protein, it is predicted to be benign by multiple in silico algorithms, and/or has population frequency not consistent with disease.

Breakthrough Genomics
Classification: Likely benign. Review status: criteria provided, single submitter. Criteria: ACMG Guidelines, 2015. Collection method: not provided. Allele origin: germline. Inheritance: Unknown mechanism. Affected: yes.

NM_001375808.2(LPIN2):c.1793+98G>A

Gene: LPIN2 (lipin 2; minus strand). Cytogenetic location: 18p11.31.
Variant type: single nucleotide variant.
Coding change: c.1793+98G>A on transcript NM_001375808.2 (MANE Select); 98 bases into the intron after coding-DNA position 1793, G replaced by A.
Molecular consequence: intron variant.
Genome position (GRCh38, 1-based): chr18:2,926,625, C>T on the plus strand (G>A on the coding strand, the complement: LPIN2 is on the minus strand). VCF-style: chr18-2926625-C-T. GRCh37 (hg19) VCF-style: chr18-2926623-C-T.
Other names: c.1793+98G>A (NM_014646.2, NM_001375809.1).
Identifiers: ClinVar variation 679036 (VCV000679036.2), dbSNP rs112137712, ClinGen allele CA295495790.
Genomic context (GRCh38, chr18:2,926,625, plus strand): 5'-GCAGTTGTCATCTGCTGAGTGGCACAAATATATCACAGCATGTAGTATCTGCAGAAGATA[C>T]TCCCAAGAACTAAACAAGCTGCCAAAATCAACTTAGAAGTAATGGCCCTGCTAGAGGGCC-3'